The following is an entry in ClinVar:

NM_004375.5(COX11):c.561T>C (p.Ala187=)

Gene: COX11 (cytochrome c oxidase copper chaperone COX11; minus strand). Cytogenetic location: 17q22.
Variant type: single nucleotide variant.
Coding change: c.561T>C on transcript NM_004375.5 (MANE Select); coding-DNA position 561, T replaced by C.
Protein change: p.Ala187=; no amino-acid change (alanine 187 retained).
Molecular consequence: synonymous variant. On other transcripts: non-coding transcript variant (3).
Genome position (GRCh38, 1-based): chr17:54,963,393, A>G on the plus strand (T>C on the coding strand, the complement: COX11 is on the minus strand). VCF-style: chr17-54963393-A-G. GRCh37 (hg19) VCF-style: chr17-53040754-A-G.
Other names: c.561T>C, p.Ala187= (NM_001162861.2, NM_001162862.2, NM_001321518.1).
Identifiers: ClinVar variation 4820937 (VCV004820937.4).

ClinVar aggregate classification (germline): Likely benign (1 of 4 stars; one submission).

gnomAD v4.1: 185 of 1,612,356 alleles (0.011%); highest among the groups gnomAD compares: Middle Eastern, 0.35%; no homozygotes.

Submission:

CeGaT Center for Human Genetics Tuebingen
Classification: Likely benign. Last evaluated: 2026-01-01. Review status: criteria provided, single submitter. Criteria: CeGaT Center For Human Genetics Tuebingen Variant Classification Criteria Version 2. Collection method: clinical testing. Allele origin: germline. Affected: yes. Observed: 1 variant allele.
Comment: COX11: BP4, BP7